The following is an entry in ClinVar:

ClinVar aggregate classification (germline): Pathogenic/Likely pathogenic. Review status: criteria provided, multiple submitters, no conflicts (2 of 4 stars). 2 submissions from 2 submitters: Pathogenic (1); Likely pathogenic (1). Last evaluated 2024-12-16.

Conditions:
Familial cancer of breast. Also called: BREAST CANCER, FAMILIAL; hereditary breast carcinoma; Hereditary breast cancer. Identifiers: Orphanet 227535, MedGen C0346153, MONDO:0016419, OMIM 114480. Disease mechanism: loss of function.

Allele frequency attached by ClinVar (database versions not stated): ExAC 0.00001; gnomAD 0.00001; 1000 Genomes Project 30x 0.00016; 1000 Genomes Project 0.00020.
gnomAD v4.1: 1 of 1,614,106 alleles (0.000062%); highest among the groups gnomAD compares: Admixed American, 0.0017%; no homozygotes.

Submissions (2):

Labcorp Genetics (formerly Invitae), Labcorp
Classification: Pathogenic for Familial cancer of breast. Last evaluated: 2024-12-16. Review status: criteria provided, single submitter. Criteria: Invitae Variant Classification Sherloc (09022015). Collection method: clinical testing. Allele origin: germline.
Comment: This sequence change affects a donor splice site in intron 3 of the CHEK2 gene. RNA analysis indicates that disruption of this splice site induces altered splicing and may result in an absent or altered protein product. This variant is present in population databases (rs560596101, gnomAD 0.003%). This variant has not been reported in the literature in individuals affected with CHEK2-related conditions. ClinVar contains an entry for this variant (Variation ID: 2584223). Studies have shown that disruption of this splice site results in activation of cryptic splice sites, and produces a non-functional protein and/or introduces a premature termination codon (PMID: 26506619; internal data). For these reasons, this variant has been classified as Pathogenic.

Myriad Genetics, Inc.
Classification: Likely pathogenic for Familial cancer of breast. Last evaluated: 2023-06-23. Review status: criteria provided, single submitter. Criteria: Myriad Autosomal Dominant, Autosomal Recessive and X-Linked Classification Criteria (2023). Collection method: clinical testing. Allele origin: unknown.
Comment: This variant is considered likely pathogenic. This variant occurs within a consensus splice junction and is predicted to result in abnormal mRNA splicing of either an out-of-frame exon or an in-frame exon necessary for protein stability and/or normal function.

Literature cited by the submitters: PubMed 26506619 (cited by Labcorp Genetics (formerly Invitae), Labcorp).

NM_007194.4(CHEK2):c.444+2T>G

Gene: CHEK2 (checkpoint kinase 2; minus strand). Cytogenetic location: 22q12.1.
Variant type: single nucleotide variant.
Coding change: c.444+2T>G on transcript NM_007194.4 (MANE Select); the canonical splice donor site of the intron after coding-DNA position 444, T replaced by G.
Molecular consequence: splice donor variant.
Genome position (GRCh38, 1-based): chr22:28,725,241, A>C on the plus strand (T>G on the coding strand, the complement: CHEK2 is on the minus strand). VCF-style: chr22-28725241-A-C. GRCh37 (hg19) VCF-style: chr22-29121229-A-C.
Other names: c.-220+2T>G (NM_001437942.1); c.444+2T>G (NM_001349956.3, NM_145862.3); c.-334+2T>G (NM_001257387.3); c.537+2T>G (NM_001438295.1, NM_001438293.1); c.573+2T>G (NM_001438294.1, NM_001005735.3).
Identifiers: ClinVar variation 2584223 (VCV002584223.4), dbSNP rs560596101, ClinGen allele CA10168004.